The following is an entry in ClinVar:

ClinVar aggregate classification (germline): Uncertain significance (1 of 4 stars; one submission).

Allele frequency attached by ClinVar (database versions not stated): gnomAD exomes below 0.00001; ExAC 0.00001.
gnomAD v4.1: 1 of 1,613,316 alleles (0.000062%); highest among the groups gnomAD compares: Non-Finnish European, 0.000085%; no homozygotes.

Submission:

Labcorp Genetics (formerly Invitae), Labcorp
Classification: Uncertain significance. Last evaluated: 2021-05-03. Review status: criteria provided, single submitter. Criteria: Invitae Variant Classification Sherloc (09022015). Collection method: clinical testing. Allele origin: germline.
Comment: This sequence change falls in intron 4 of the CAPN5 gene. It does not directly change the encoded amino acid sequence of the CAPN5 protein. This variant is present in population databases (rs782250691, ExAC 0.002%). This variant has not been reported in the literature in individuals with CAPN5-related conditions. Algorithms developed to predict the effect of sequence changes on RNA splicing suggest that this variant may disrupt the consensus splice site, but this prediction has not been confirmed by published transcriptional studies. In summary, the available evidence is currently insufficient to determine the role of this variant in disease. Therefore, it has been classified as a Variant of Uncertain Significance.

NM_004055.5(CAPN5):c.507-7T>G

Gene: CAPN5 (calpain 5; plus strand). Cytogenetic location: 11q13.5.
Variant type: single nucleotide variant.
Coding change: c.507-7T>G on transcript NM_004055.5 (MANE Select); 7 bases into the intron before coding-DNA position 507, T replaced by G.
Molecular consequence: intron variant.
Genome position (GRCh38, 1-based): chr11:77,114,235, T>G. VCF-style: chr11-77114235-T-G. GRCh37 (hg19) VCF-style: chr11-76825281-T-G.
Identifiers: ClinVar variation 1365514 (VCV001365514.8), dbSNP rs782250691, ClinGen allele CA6196462.